The following is an entry in ClinVar:

NM_003072.5(SMARCA4):c.4584C>T (p.Asp1528=)

Gene: SMARCA4 (SWI/SNF related BAF chromatin remodeling complex subunit ATPase 4; plus strand). Cytogenetic location: 19p13.2.
Variant type: single nucleotide variant.
Coding change: c.4584C>T on transcript NM_003072.5 (MANE Select); coding-DNA position 4584, C replaced by T.
Protein change: p.Asp1528=; no amino-acid change (aspartic acid 1528 retained).
Molecular consequence: synonymous variant. On other transcripts: non-coding transcript variant (1).
Genome position (GRCh38, 1-based): chr19:11,058,838, C>T. VCF-style: chr19-11058838-C-T. GRCh37 (hg19) VCF-style: chr19-11169514-C-T.
Other names: p.Asp1560=; c.4680C>T (NM_001128849.2); c.4584C>T, p.Asp1528= (NM_001128844.3); c.4494C>T, p.Asp1498= (NM_001128845.2); c.4491C>T, p.Asp1497= (NM_001128846.2); c.4485C>T, p.Asp1495= (NM_001128847.4, NM_001374457.1); c.4482C>T, p.Asp1494= (NM_001128848.2); c.4680C>T, p.Asp1560= (NM_001128849.3, NM_001387283.1).
Identifiers: ClinVar variation 126364 (VCV000126364.29), dbSNP rs9105, ClinGen allele CA151119.

ClinVar aggregate classification (germline): Benign/Likely benign. Review status: criteria provided, multiple submitters, no conflicts (2 of 4 stars). 12 submissions from 12 submitters: Benign (10); Likely benign (1). 1 of the submissions does not count toward it. Last evaluated 2026-07-23.

Conditions:
Rhabdoid tumor predisposition syndrome 2 (RTPS2). Identifiers: Orphanet 231108, Orphanet 69077, MedGen C2750074, MONDO:0013224, OMIM 613325.
Intellectual disability, autosomal dominant 16 (CSS4). Also called: COFFIN-SIRIS SYNDROME 4. Identifiers: Orphanet 1465, MedGen C3553249, MONDO:0013821, OMIM 614609.
Otosclerosis 12. Identifiers: MedGen C5935610, MONDO:0968980, OMIM 620792.
Coffin-Siris syndrome. Identifiers: Orphanet 1465, MedGen C0265338, MONDO:0015452.
Hereditary cancer-predisposing syndrome. Also called: Neoplastic Syndromes, Hereditary; Tumor predisposition; Hereditary neoplastic syndrome; Hereditary Cancer Syndrome. Identifiers: Orphanet 140162, MedGen C0027672, MeSH D009386, MONDO:0015356.

Allele frequency attached by ClinVar (database versions not stated): TOPMed 0.03594; ExAC 0.03924; ESP Exome Variant Server 0.03998; gnomAD exomes 0.05265 and 0.03988; 1000 Genomes Project 0.02037; 1000 Genomes Project 30x 0.02155; gnomAD 0.04127.
gnomAD v4.1: 82,340 of 1,614,024 alleles (5.1%); highest among the groups gnomAD compares: Non-Finnish European, 5.9%; 2,397 homozygotes.

Submissions (12):

Myriad Genetics, Inc.
Classification: Benign for Rhabdoid tumor predisposition syndrome 2. Last evaluated: 2026-07-23. Review status: criteria provided, single submitter. Criteria: Myriad Autosomal Dominant, Autosomal Recessive and X-Linked Classification Criteria (2023). Collection method: clinical testing. Allele origin: unknown.
Comment: This variant is considered benign. This variant is a silent/synonymous amino acid change and it is not expected to impact splicing.

Labcorp Genetics (formerly Invitae), Labcorp
Classification: Benign for Rhabdoid tumor predisposition syndrome 2. Last evaluated: 2026-02-04. Review status: criteria provided, single submitter. Criteria: Invitae Variant Classification Sherloc (09022015). Collection method: clinical testing. Allele origin: germline.

Blueprint Genetics
Classification: Likely benign. Last evaluated: 2024-11-28. Review status: criteria provided, single submitter. Criteria: ACMG Guidelines, 2015. Collection method: clinical testing. Allele origin: germline.

Department of Pathology and Laboratory Medicine, Sinai Health System
Classification: Benign for Rhabdoid tumor predisposition syndrome 2; Intellectual disability, autosomal dominant 16; Otosclerosis 12. Last evaluated: 2022-05-25. Review status: criteria provided, single submitter. Criteria: ACMG Guidelines, 2015. Collection method: clinical testing. Allele origin: germline. Affected: yes.

Mayo Clinic Laboratories, Mayo Clinic
Classification: Benign. Last evaluated: 2022-02-18. Review status: criteria provided, single submitter. Criteria: ACMG Guidelines, 2015. Collection method: clinical testing. Allele origin: germline. Observed: 36 variant alleles.

Genome-Nilou Lab
Classification: Benign for Intellectual disability, autosomal dominant 16. Last evaluated: 2021-07-15. Review status: criteria provided, single submitter. Criteria: ACMG Guidelines, 2015. Collection method: clinical testing. Allele origin: germline. Affected: no.

Illumina Laboratory Services, Illumina
Classification: Benign for Coffin-Siris syndrome. Last evaluated: 2018-01-13. Review status: criteria provided, single submitter. Criteria: ICSL Variant Classification Criteria 13 December 2019. Collection method: clinical testing. Allele origin: germline.
Comment: This variant was observed in the ICSL laboratory as part of a predisposition screen in an ostensibly healthy population. It had not been previously curated by ICSL or reported in the Human Gene Mutation Database (HGMD: prior to June 1st, 2018), and was therefore a candidate for classification through an automated scoring system. Utilizing variant allele frequency, disease prevalence and penetrance estimates, and inheritance mode, an automated score was calculated to assess if this variant is too frequent to cause the disease. Based on the score and internal cut-off values, a variant classified as benign is not then subjected to further curation. The score for this variant resulted in a classification of benign for this disease.

GeneDx
Classification: Benign. Last evaluated: 2015-12-18. Review status: criteria provided, single submitter. Criteria: GeneDx Variant Classification (06012015). Collection method: clinical testing. Allele origin: germline. Affected: yes.
Comment: This variant is considered likely benign or benign based on one or more of the following criteria: it is a conservative change, it occurs at a poorly conserved position in the protein, it is predicted to be benign by multiple in silico algorithms, and/or has population frequency not consistent with disease.

Ambry Genetics
Classification: Benign for Hereditary cancer-predisposing syndrome. Last evaluated: 2015-05-20. Review status: criteria provided, single submitter. Criteria: Ambry Variant Classification Scheme 2023. Collection method: clinical testing. Allele origin: germline.

Breakthrough Genomics
Classification: Benign. Review status: criteria provided, single submitter. Criteria: ACMG Guidelines, 2015. Collection method: not provided. Allele origin: germline. Inheritance: Autosomal dominant inheritance. Affected: yes.

PreventionGenetics, part of Exact Sciences
Classification: Benign. Review status: criteria provided, single submitter. Criteria: ACMG Guidelines, 2015. Collection method: clinical testing. Allele origin: germline.

Genetic Services Laboratory, University of Chicago
Classification: Likely benign for AllHighlyPenetrant. Review status: no assertion criteria provided. Collection method: clinical testing. Allele origin: germline. Inheritance: Autosomal dominant inheritance. Observed: 10 variant alleles. Not counted in ClinVar's aggregate classification.
Comment: Likely benign based on allele frequency in 1000 Genomes Project or ESP global frequency and its presence in a patient with a rare or unrelated disease phenotype. NOT Sanger confirmed.